The following is an entry in ClinVar:

ClinVar aggregate classification (germline): Benign. Review status: criteria provided, multiple submitters, no conflicts (2 of 4 stars). 9 submissions from 9 submitters: Benign (7). 2 of the submissions do not count toward it. Last evaluated 2026-05-09.

Allele frequency attached by ClinVar (database versions not stated): gnomAD exomes 0.02233 and 0.03798; ESP Exome Variant Server 0.03076; gnomAD 0.03394 and 0.03417; ExAC 0.03711; TOPMed 0.04197; 1000 Genomes Project 0.05591; 1000 Genomes Project 30x 0.05715.
gnomAD v4.1: 38,098 of 1,610,200 alleles (2.4%); highest among the groups gnomAD compares: Admixed American, 9.6%; 859 homozygotes.

Submissions (9):

Women's Health and Genetics/Laboratory Corporation of America, LabCorp
Classification: Benign. Last evaluated: 2026-05-09. Review status: criteria provided, single submitter. Criteria: LabCorp Variant Classification Summary - May 2015. Collection method: clinical testing. Allele origin: germline.

Labcorp Genetics (formerly Invitae), Labcorp
Classification: Benign. Last evaluated: 2026-02-04. Review status: criteria provided, single submitter. Criteria: Invitae Variant Classification Sherloc (09022015). Collection method: clinical testing. Allele origin: germline.

Blueprint Genetics
Classification: Benign. Last evaluated: 2024-11-26. Review status: criteria provided, single submitter. Criteria: ACMG Guidelines, 2015. Collection method: clinical testing. Allele origin: germline.

Mayo Clinic Laboratories, Mayo Clinic
Classification: Benign. Last evaluated: 2022-04-17. Review status: criteria provided, single submitter. Criteria: ACMG Guidelines, 2015. Collection method: clinical testing. Allele origin: germline. Observed: 5 variant alleles.

Athena Diagnostics
Classification: Benign. Last evaluated: 2018-08-10. Review status: criteria provided, single submitter. Criteria: Athena Diagnostics Criteria. Collection method: clinical testing. Allele origin: germline.

GeneDx
Classification: Benign. Last evaluated: 2016-10-11. Review status: criteria provided, single submitter. Criteria: GeneDx Variant Classification (06012015). Collection method: clinical testing. Allele origin: germline. Affected: yes.
Comment: This variant is considered likely benign or benign based on one or more of the following criteria: it is a conservative change, it occurs at a poorly conserved position in the protein, it is predicted to be benign by multiple in silico algorithms, and/or has population frequency not consistent with disease.

PreventionGenetics, part of Exact Sciences
Classification: Benign. Review status: criteria provided, single submitter. Criteria: ACMG Guidelines, 2015. Collection method: clinical testing. Allele origin: germline.

Genome Diagnostics Laboratory, Amsterdam University Medical Center
Classification: Benign. Review status: no assertion criteria provided. Collection method: clinical testing. Allele origin: germline. Affected: yes. Study: VKGL Data-share Consensus. Not counted in ClinVar's aggregate classification.

Laboratory of Diagnostic Genome Analysis, Leiden University Medical Center (LUMC)
Classification: Likely benign. Review status: no assertion criteria provided. Collection method: clinical testing. Allele origin: germline. Affected: yes. Study: VKGL Data-share Consensus. Not counted in ClinVar's aggregate classification.

NM_001851.6(COL9A1):c.1066-3T>C

Gene: COL9A1 (collagen type IX alpha 1 chain; minus strand). Cytogenetic location: 6q13.
Variant type: single nucleotide variant.
Coding change: c.1066-3T>C on transcript NM_001851.6 (MANE Select); 3 bases into the intron before coding-DNA position 1066, T replaced by C.
Molecular consequence: intron variant.
Genome position (GRCh38, 1-based): chr6:70,272,091, A>G on the plus strand (T>C on the coding strand, the complement: COL9A1 is on the minus strand). VCF-style: chr6-70272091-A-G. GRCh37 (hg19) VCF-style: chr6-70981794-A-G.
Other names: p.?; c.1066-3T>C (NM_001851.5); c.337-3T>C (NM_001377290.1, NM_078485.4, NM_001377289.1).
Identifiers: ClinVar variation 258337 (VCV000258337.16), dbSNP rs16868869, ClinGen allele CA3882435.